The following is an entry in ClinVar:

NM_014712.3(SETD1A):c.226C>G (p.Leu76Val)

Gene: SETD1A (SET domain containing 1A, histone lysine methyltransferase; plus strand). Cytogenetic location: 16p11.2.
Variant type: single nucleotide variant.
Coding change: c.226C>G on transcript NM_014712.3 (MANE Select); coding-DNA position 226, C replaced by G.
Protein change: p.Leu76Val; replaces leucine 76 with valine.
Molecular consequence: missense variant.
Genome position (GRCh38, 1-based): chr16:30,959,166, C>G. VCF-style: chr16-30959166-C-G. GRCh37 (hg19) VCF-style: chr16-30970487-C-G.
Other names: short protein forms L76V.
Identifiers: ClinVar variation 5017901 (VCV005017901.1).

ClinVar aggregate classification (germline): Uncertain significance (1 of 4 stars; one submission).

gnomAD v4.1: 1 of 1,612,140 alleles (0.000062%); highest among the groups gnomAD compares: African/African-American, 0.0013%; no homozygotes.

Submission:

GeneDx
Classification: Uncertain significance. Last evaluated: 2026-03-31. Review status: criteria provided, single submitter. Criteria: GeneDx Variant Classification Process June 2021. Collection method: clinical testing. Allele origin: germline.
Comment: Not observed at significant frequency in large population cohorts (gnomAD); In silico analysis supports that this missense variant has a deleterious effect on protein structure/function; Has not been previously published as pathogenic or benign to our knowledge